The following is an entry in ClinVar:

NM_052947.4(ALPK2):c.2467G>T (p.Val823Phe)

Gene: ALPK2 (alpha kinase 2; minus strand). Cytogenetic location: 18q21.31.
Variant type: single nucleotide variant.
Coding change: c.2467G>T on transcript NM_052947.4 (MANE Select); coding-DNA position 2467, G replaced by T.
Protein change: p.Val823Phe; replaces valine 823 with phenylalanine.
Molecular consequence: missense variant.
Genome position (GRCh38, 1-based): chr18:58,537,720, C>A on the plus strand (G>T on the coding strand, the complement: ALPK2 is on the minus strand). VCF-style: chr18-58537720-C-A. GRCh37 (hg19) VCF-style: chr18-56204952-C-A.
Other names: short protein forms V823F.
Identifiers: ClinVar variation 1791708 (VCV001791708.2), dbSNP rs773675659, ClinGen allele CA8977069.
Genomic context (GRCh38, chr18:58,537,720, plus strand): 5'-CCAGTTCCGTATCTACAGAGCAAATTTCTTGAGGCGAATATTTATCAACTGGTCTCCCAA[C>A]AAGAGAATCTATGGTATCAAAACACGTTCCTTGGTCACCAGCCTCAAAACACTCCATTGC-3'
Protein context (NP_443179.3, residues 813-833): GTCFDTIDSL[Val823Phe]GRPVDKYSPQ

ClinVar aggregate classification (germline): Uncertain significance (1 of 4 stars; one submission).

Allele frequency attached by ClinVar (database versions not stated): ExAC 0.00001; gnomAD exomes 0.00001; TOPMed 0.00002.
gnomAD v4.1: 3 of 1,614,152 alleles (0.00019%); highest among the groups gnomAD compares: Admixed American, 0.0033%; no homozygotes.

Submission:

Ambry Genetics
Classification: Uncertain significance. Last evaluated: 2022-03-16. Review status: criteria provided, single submitter. Criteria: Ambry Variant Classification Scheme 2023. Collection method: clinical testing. Allele origin: germline.
Comment: The p.V823F variant (also known as c.2467G>T), located in coding exon 4 of the ALPK2 gene, results from a G to T substitution at nucleotide position 2467. The valine at codon 823 is replaced by phenylalanine, an amino acid with highly similar properties. This amino acid position is conserved. In addition, this alteration is predicted to be tolerated by in silico analysis. Since supporting evidence is limited at this time, the clinical significance of this alteration remains unclear.